The following is an entry in ClinVar:

ClinVar aggregate classification (germline): Uncertain significance (1 of 4 stars; one submission).

Conditions:
Charcot-Marie-Tooth disease type 2. Also called: Charcot-Marie-Tooth type 2. Identifiers: Orphanet 64746, MedGen C0270914, MONDO:0018993.

Allele frequency attached by ClinVar (database versions not stated): gnomAD exomes below 0.00001.
gnomAD v4.1: 1 of 1,614,104 alleles (0.000062%); highest among the groups gnomAD compares: East Asian, 0.0022%; no homozygotes.

Submission:

Labcorp Genetics (formerly Invitae), Labcorp
Classification: Uncertain significance for Charcot-Marie-Tooth disease type 2. Last evaluated: 2019-03-06. Review status: criteria provided, single submitter. Criteria: Invitae Variant Classification Sherloc (09022015). Collection method: clinical testing. Allele origin: germline.
Comment: This variant has not been reported in the literature in individuals with KIF1B-related conditions. ClinVar contains an entry for this variant (Variation ID: 570086). This variant is not present in population databases (ExAC no frequency). This sequence change replaces valine with methionine at codon 1358 of the KIF1B protein (p.Val1358Met). The valine residue is moderately conserved and there is a small physicochemical difference between valine and methionine. In summary, the available evidence is currently insufficient to determine the role of this variant in disease. Therefore, it has been classified as a Variant of Uncertain Significance. Algorithms developed to predict the effect of missense changes on protein structure and function (SIFT, PolyPhen-2, Align-GVGD) all suggest that this variant is likely to be tolerated, but these predictions have not been confirmed by published functional studies and their clinical significance is uncertain.

NM_001365951.3(KIF1B):c.4210G>A (p.Val1404Met)

Gene: KIF1B (kinesin family member 1B; plus strand). Cytogenetic location: 1p36.22.
Variant type: single nucleotide variant.
Coding change: c.4210G>A on transcript NM_001365951.3 (MANE Select); coding-DNA position 4210, G replaced by A.
Protein change: p.Val1404Met; replaces valine 1404 with methionine.
Molecular consequence: missense variant.
Genome position (GRCh38, 1-based): chr1:10,361,731, G>A. VCF-style: chr1-10361731-G-A. GRCh37 (hg19) VCF-style: chr1-10421789-G-A.
Other names: c.4210G>A, p.Val1404Met (NM_001365952.1); c.4072G>A, p.Val1358Met (NM_015074.3); short protein forms V1358M, V1404M.
Identifiers: ClinVar variation 570086 (VCV000570086.10), dbSNP rs1557737152, ClinGen allele CA338317268.